The following is an entry in ClinVar:

ClinVar aggregate classification (germline): Uncertain significance (1 of 4 stars; one submission).

Conditions:
Mucopolysaccharidosis type 1. Also called: IDUA deficiency; MPS I. Identifiers: Orphanet 579, MedGen C0023786, MONDO:0001586.

Allele frequency attached by ClinVar (database versions not stated): ExAC 0.00001.
gnomAD v4.1: 11 of 1,613,346 alleles (0.00068%); highest among the groups gnomAD compares: South Asian, 0.0022%; no homozygotes.

Submission:

Labcorp Genetics (formerly Invitae), Labcorp
Classification: Uncertain significance for Mucopolysaccharidosis type 1. Last evaluated: 2021-10-10. Review status: criteria provided, single submitter. Criteria: Invitae Variant Classification Sherloc (09022015). Collection method: clinical testing. Allele origin: germline.
Comment: This sequence change replaces serine with leucine at codon 137 of the IDUA protein (p.Ser137Leu). The serine residue is highly conserved and there is a large physicochemical difference between serine and leucine. This variant is present in population databases (rs769949390, ExAC 0.002%). This variant has not been reported in the literature in individuals with IDUA-related conditions. Algorithms developed to predict the effect of missense changes on protein structure and function (SIFT, PolyPhen-2, Align-GVGD) all suggest that this variant is likely to be disruptive, but these predictions have not been confirmed by published functional studies and their clinical significance is uncertain. In summary, the available evidence is currently insufficient to determine the role of this variant in disease. Therefore, it has been classified as a Variant of Uncertain Significance.

NM_000203.5(IDUA):c.410C>T (p.Ser137Leu)

Gene: IDUA (alpha-L-iduronidase; plus strand). Cytogenetic location: 4p16.3.
Variant type: single nucleotide variant.
Coding change: c.410C>T on transcript NM_000203.5 (MANE Select); coding-DNA position 410, C replaced by T.
Protein change: p.Ser137Leu; replaces serine 137 with leucine.
Molecular consequence: missense variant. On other transcripts: non-coding transcript variant (1).
Genome position (GRCh38, 1-based): chr4:1,000,906, C>T. VCF-style: chr4-1000906-C-T. GRCh37 (hg19) VCF-style: chr4-994694-C-T.
Other names: c.14C>T, p.Ser5Leu (NM_001363576.1); short protein forms S5L, S137L.
Identifiers: ClinVar variation 1441035 (VCV001441035.3), dbSNP rs769949390, ClinGen allele CA2801918.